The following is an entry in ClinVar:

NM_005359.6(SMAD4):c.683T>C (p.Ile228Thr)

Gene: SMAD4 (SMAD family member 4; plus strand). Cytogenetic location: 18q21.2.
Variant type: single nucleotide variant.
Coding change: c.683T>C on transcript NM_005359.6 (MANE Select); coding-DNA position 683, T replaced by C.
Protein change: p.Ile228Thr; replaces isoleucine 228 with threonine.
Molecular consequence: missense variant.
Genome position (GRCh38, 1-based): chr18:51,058,140, T>C. VCF-style: chr18-51058140-T-C. GRCh37 (hg19) VCF-style: chr18-48584510-T-C.
Other names: c.683T>C, p.Ile228Thr (NM_001407041.1, NM_001407042.1, NM_001407043.1); short protein forms I228T.
Identifiers: ClinVar variation 1755731 (VCV001755731.2), dbSNP rs2511376677, ClinGen allele CA402462642.

ClinVar aggregate classification (germline): Uncertain significance (1 of 4 stars; one submission).

Conditions:
Familial thoracic aortic aneurysm and aortic dissection (TAAD). Also called: Thoracic aortic aneurysms and dissections. Identifiers: Orphanet 91387, MedGen C4707243, MONDO:0019625.
Hereditary cancer-predisposing syndrome. Also called: Neoplastic Syndromes, Hereditary; Tumor predisposition; Hereditary Cancer Syndrome; Hereditary neoplastic syndrome. Identifiers: Orphanet 140162, MedGen C0027672, MeSH D009386, MONDO:0015356.

Submission:

Ambry Genetics
Classification: Uncertain significance for Hereditary cancer-predisposing syndrome; Familial thoracic aortic aneurysm and aortic dissection. Last evaluated: 2021-12-14. Review status: criteria provided, single submitter. Criteria: Ambry Variant Classification Scheme 2023. Collection method: clinical testing. Allele origin: germline.
Comment: The p.I228T variant (also known as c.683T>C), located in coding exon 5 of the SMAD4 gene, results from a T to C substitution at nucleotide position 683. The isoleucine at codon 228 is replaced by threonine, an amino acid with similar properties. This amino acid position is well conserved in available vertebrate species. In addition, this alteration is predicted to be tolerated by in silico analysis. Since supporting evidence is limited at this time, the clinical significance of this alteration remains unclear.